The following is an entry in ClinVar:

NM_022916.6(VPS33A):c.558T>G (p.Tyr186Ter)

Gene: VPS33A (VPS33A core subunit of CORVET and HOPS complexes; minus strand). Cytogenetic location: 12q24.31.
Variant type: single nucleotide variant.
Coding change: c.558T>G on transcript NM_022916.6 (MANE Select); coding-DNA position 558, T replaced by G.
Protein change: p.Tyr186Ter; replaces tyrosine 186 with a stop codon.
Molecular consequence: nonsense.
Genome position (GRCh38, 1-based): chr12:122,251,025, A>C on the plus strand (T>G on the coding strand, the complement: VPS33A is on the minus strand). VCF-style: chr12-122251025-A-C. GRCh37 (hg19) VCF-style: chr12-122735572-A-C.
Other names: c.525T>G, p.Tyr175Ter (NM_001351018.2); c.510T>G, p.Tyr170Ter (NM_001351019.2); c.558T>G, p.Tyr186Ter (NM_001351020.2); short protein forms Y170*, Y175*, Y186*.
Identifiers: ClinVar variation 3659369 (VCV003659369.2).

ClinVar aggregate classification (germline): Uncertain significance (1 of 4 stars; one submission).

Submission:

Labcorp Genetics (formerly Invitae), Labcorp
Classification: Uncertain significance. Last evaluated: 2024-10-29. Review status: criteria provided, single submitter. Criteria: Invitae Variant Classification Sherloc (09022015). Collection method: clinical testing. Allele origin: germline.
Comment: This sequence change creates a premature translational stop signal (p.Tyr186*) in the VPS33A gene. It is expected to result in an absent or disrupted protein product. However, the current clinical and genetic evidence is not sufficient to establish whether loss-of-function variants in VPS33A cause disease. This variant is not present in population databases (gnomAD no frequency). This variant has not been reported in the literature in individuals affected with VPS33A-related conditions. In summary, the available evidence is currently insufficient to determine the role of this variant in disease. Therefore, it has been classified as a Variant of Uncertain Significance.